The following is an entry in ClinVar:

ClinVar aggregate classification (germline): Pathogenic/Likely pathogenic. Review status: criteria provided, multiple submitters, no conflicts (2 of 4 stars). 2 submissions from 2 submitters: Pathogenic (1); Likely pathogenic (1). Last evaluated 2025-04-05.

Conditions:
Lysosomal acid lipase deficiency. Also called: Acid cholesteryl ester hydrolase deficiency, type 2. Identifiers: Orphanet 275761, MedGen C5574740, MONDO:0800449, MONDO:0010204.

Submissions (2):

Myriad Genetics, Inc.
Classification: Pathogenic for Lysosomal acid lipase deficiency. Last evaluated: 2025-04-05. Review status: criteria provided, single submitter. Criteria: Myriad Autosomal Dominant, Autosomal Recessive and X-Linked Classification Criteria (2023). Collection method: clinical testing. Allele origin: unknown.
Comment: NM_000235.2(LIPA):c.331dupG(A111Gfs*4) is expected to be pathogenic in the context of lysosomal acid lipase deficiency. This variant is predicted to lead to an abnormal or absent protein product due to the creation of a premature termination codon in LIPA, a gene where loss-of-function variants are known to be pathogenic. Please note: this variant was assessed in the context of healthy population screening.

Natera, Inc.
Classification: Likely pathogenic for Lysosomal acid lipase deficiency. Last evaluated: 2024-07-22. Review status: criteria provided, single submitter. Criteria: Natera Variant Classification Schema (03/2026). Collection method: clinical testing. Allele origin: germline.
Comment: The c.331dup variant in LIPA is a frameshift variant predicted to shift the reading frame beginning at codon 111 and leads to a stop codon 4 codons downstream. This variant is expected to result in nonsense mediated decay, truncation, or a dysfunctional protein product. This variant is rare in the general population with a frequency below the threshold expected for the associated phenotype(s). Given the available evidence, this variant is classified as Likely Pathogenic.

NM_000235.4(LIPA):c.331dup (p.Ala111fs)

Gene: LIPA (lipase A, lysosomal acid type; minus strand). Cytogenetic location: 10q23.31.
Variant type: Duplication.
Coding change: c.331dup on transcript NM_000235.4 (MANE Select); coding-DNA position 331, one base duplicated (G; older notation c.331dupG).
Protein change: p.Ala111fs; shifts the reading frame from alanine 111.
Molecular consequence: frameshift variant. On other transcripts: 5 prime UTR variant (1).
Genome position (GRCh38, 1-based): chr10:89,228,297, C duplicated on the plus strand (G on the coding strand, the reverse complement: LIPA is on the minus strand). VCF-style (leftmost placement, unchanged base first): chr10-89228296-G-GC. GRCh37 (hg19) VCF-style: chr10-90988053-G-GC.
Other names: c.331dup, p.Ala111fs (NM_001127605.3, NM_001440818.1, NM_001440819.1 and 17 more transcripts); c.-18dup (NM_001288979.2); c.463dup, p.Ala155fs (NM_001440836.1); c.346dup, p.Ala116fs (NM_001440838.1); c.163dup, p.Ala55fs (NM_001440839.1); short protein forms A111fs, A116fs, A155fs, A55fs.
Identifiers: ClinVar variation 4817956 (VCV004817956.2).